The following is an entry in ClinVar:

NM_000514.4(GDNF):c.*1541T>A

Gene: GDNF (glial cell derived neurotrophic factor; minus strand). Cytogenetic location: 5p13.2.
Variant type: single nucleotide variant.
Coding change: c.*1541T>A on transcript NM_000514.4 (MANE Select); 1541 bases downstream of the stop codon, T replaced by A.
Molecular consequence: 3 prime UTR variant.
Genome position (GRCh38, 1-based): chr5:37,814,110, A>T on the plus strand (T>A on the coding strand, the complement: GDNF is on the minus strand). VCF-style: chr5-37814110-A-T. GRCh37 (hg19) VCF-style: chr5-37814212-A-T.
Other names: c.*1541T>A (NM_001190468.1, NM_001190469.1, NM_001278098.1 and 1 more transcripts).
Identifiers: ClinVar variation 353497 (VCV000353497.5), dbSNP rs138502514, ClinGen allele CA10620378.
Genomic context (GRCh38, chr5:37,814,110, plus strand): 5'-CCTGGTAGACCCTACCTCTGGAAGGCCCCTGTGTCTCCCGGGCTGCACTGGGCAGCCAGC[A>T]TATTCTCGGGAGGGCAGTGGGTGGGCAGGGATGGAGGGAGTCGGTAGAACGGCAGCTACC-3'

ClinVar aggregate classification (germline): Benign (1 of 4 stars; one submission).

Conditions:
Hirschsprung disease, susceptibility to, 3. Identifiers: Orphanet 388, MedGen C3150974, MONDO:0013383, OMIM 613711.

Allele frequency attached by ClinVar (database versions not stated): gnomAD 0.00195 and 0.00209; TOPMed 0.00238; 1000 Genomes Project 0.00280; 1000 Genomes Project 30x 0.00312.

Submission:

Illumina Laboratory Services, Illumina
Classification: Benign for Hirschsprung disease, susceptibility to, 3. Last evaluated: 2018-01-13. Review status: criteria provided, single submitter. Criteria: ICSL Variant Classification Criteria 13 December 2019. Collection method: clinical testing. Allele origin: germline.
Comment: This variant was observed in the ICSL laboratory as part of a predisposition screen in an ostensibly healthy population. It had not been previously curated by ICSL or reported in the Human Gene Mutation Database (HGMD: prior to June 1st, 2018), and was therefore a candidate for classification through an automated scoring system. Utilizing variant allele frequency, disease prevalence and penetrance estimates, and inheritance mode, an automated score was calculated to assess if this variant is too frequent to cause the disease. Based on the score and internal cut-off values, a variant classified as benign is not then subjected to further curation. The score for this variant resulted in a classification of benign for this disease.